The following is an entry in ClinVar:

ClinVar aggregate classification (germline): Pathogenic (1 of 4 stars; one submission).

Conditions:
Breast-ovarian cancer, familial, susceptibility to, 2 (BROVCA2). Also called: BRCA2 Hereditary Breast and Ovarian Cancer. Identifiers: Orphanet 145, MedGen C2675520, MONDO:0012933, OMIM 612555. Disease mechanism: loss of function.

Submission:

Myriad Genetics, Inc.
Classification: Pathogenic for Breast-ovarian cancer, familial, susceptibility to, 2. Last evaluated: 2026-08-27. Review status: criteria provided, single submitter. Criteria: Myriad Autosomal Dominant, Autosomal Recessive and X-Linked Classification Criteria (2023). Collection method: clinical testing. Allele origin: unknown.
Comment: This variant is considered pathogenic. This variant creates a frameshift predicted to result in premature protein truncation.

NM_000059.4(BRCA2):c.655dup (p.Thr219fs)

Gene: BRCA2 (BRCA2 DNA repair associated; plus strand). Cytogenetic location: 13q13.1.
Variant type: Duplication.
Coding change: c.655dup on transcript NM_000059.4 (MANE Select); coding-DNA position 655, one base duplicated (A; older notation c.655dupA).
Protein change: p.Thr219fs; shifts the reading frame from threonine 219.
Molecular consequence: frameshift variant. On other transcripts: non-coding transcript variant (1).
Genome position (GRCh38, 1-based): chr13:32,329,466, A duplicated; the last of 3 consecutive A bases (chr13:32,329,464-32,329,466); duplicating any one gives the same sequence. VCF-style (leftmost placement, unchanged base first): chr13-32329463-G-GA. GRCh37 (hg19) VCF-style: chr13-32903600-G-GA.
Other names: c.655dup, p.Thr219fs (NM_001406719.1, NM_001406720.1, NM_001406721.1 and 1 more transcripts); c.286dup, p.Thr96fs (NM_001406722.1); short protein forms T219fs, T96fs.
Identifiers: ClinVar variation 5042261 (VCV005042261.1).